The following is an entry in ClinVar:

NM_001195263.2(PDZD7):c.2725T>C (p.Phe909Leu)

Gene: PDZD7 (PDZ domain containing 7; minus strand). Cytogenetic location: 10q24.31.
Variant type: single nucleotide variant.
Coding change: c.2725T>C on transcript NM_001195263.2 (MANE Select); coding-DNA position 2725, T replaced by C.
Protein change: p.Phe909Leu; replaces phenylalanine 909 with leucine.
Molecular consequence: missense variant.
Genome position (GRCh38, 1-based): chr10:101,008,844, A>G on the plus strand (T>C on the coding strand, the complement: PDZD7 is on the minus strand). VCF-style: chr10-101008844-A-G. GRCh37 (hg19) VCF-style: chr10-102768601-A-G.
Other names: short protein forms F909L.
Identifiers: ClinVar variation 1477245 (VCV001477245.6), dbSNP rs2133993165, ClinGen allele CA378223477.

ClinVar aggregate classification (germline): Uncertain significance (1 of 4 stars; one submission).

Allele frequency attached by ClinVar (database versions not stated): gnomAD exomes below 0.00001.
gnomAD v4.1: 1 of 1,495,924 alleles (0.000067%); highest among the groups gnomAD compares: Non-Finnish European, 0.000089%; no homozygotes.

Submission:

Labcorp Genetics (formerly Invitae), Labcorp
Classification: Uncertain significance. Last evaluated: 2022-07-06. Review status: criteria provided, single submitter. Criteria: Invitae Variant Classification Sherloc (09022015). Collection method: clinical testing. Allele origin: germline.
Comment: In summary, the available evidence is currently insufficient to determine the role of this variant in disease. Therefore, it has been classified as a Variant of Uncertain Significance. Algorithms developed to predict the effect of missense changes on protein structure and function are either unavailable or do not agree on the potential impact of this missense change (SIFT: "Deleterious"; PolyPhen-2: "Not Available"; Align-GVGD: "Class C0"). ClinVar contains an entry for this variant (Variation ID: 1477245). This variant has not been reported in the literature in individuals affected with PDZD7-related conditions. This variant is not present in population databases (gnomAD no frequency). This sequence change replaces phenylalanine, which is neutral and non-polar, with leucine, which is neutral and non-polar, at codon 909 of the PDZD7 protein (p.Phe909Leu).